The following is an entry in ClinVar:

ClinVar aggregate classification (germline): Uncertain significance (1 of 4 stars; one submission).

Conditions:
Inborn genetic diseases. Identifiers: MedGen C0950123, MeSH D030342.

Submission:

Ambry Genetics
Classification: Uncertain significance for Inborn genetic diseases. Last evaluated: 2025-05-29. Review status: criteria provided, single submitter. Criteria: Ambry Variant Classification Scheme 2023. Collection method: clinical testing. Allele origin: germline.
Comment: The p.T922A variant (also known as c.2764A>G), located in coding exon 11 of the MECOM gene, results from an A to G substitution at nucleotide position 2764. The threonine at codon 922 is replaced by alanine, an amino acid with similar properties. This amino acid position is conserved. In addition, this alteration is predicted to be tolerated by in silico analysis. Based on the available evidence, the clinical significance of this variant remains unclear.

NM_004991.4(MECOM):c.2764A>G (p.Thr922Ala)

Gene: MECOM (MDS1 and EVI1 complex locus; minus strand). Cytogenetic location: 3q26.2.
Variant type: single nucleotide variant.
Coding change: c.2764A>G on transcript NM_004991.4 (MANE Select); coding-DNA position 2764, A replaced by G.
Protein change: p.Thr922Ala; replaces threonine 922 with alanine.
Molecular consequence: missense variant.
Genome position (GRCh38, 1-based): chr3:169,102,067, T>C on the plus strand (A>G on the coding strand, the complement: MECOM is on the minus strand). VCF-style: chr3-169102067-T-C. GRCh37 (hg19) VCF-style: chr3-168819855-T-C.
Other names: c.2395A>G, p.Thr799Ala (NM_001105077.4); c.2200A>G, p.Thr734Ala (NM_001105078.4, NM_001205194.2, NM_001366469.2 and 1 more transcripts); c.2176A>G, p.Thr726Ala (NM_001163999.2, NM_001366470.2); c.2173A>G, p.Thr725Ala (NM_001164000.2, NM_001366471.2, NM_001366472.2); c.2737A>G, p.Thr913Ala (NM_001366466.2); c.2203A>G, p.Thr735Ala (NM_001366467.2, NM_001366468.2); c.1765A>G, p.Thr589Ala (NM_001366473.2); c.1201A>G, p.Thr401Ala (NM_001366474.2); short protein forms T589A, T734A, T735A, T913A, T922A, T401A, T726A, T799A.
Identifiers: ClinVar variation 4053302 (VCV004053302.1).